The following is an entry in ClinVar:

NM_001165963.4(SCN1A):c.1808G>A (p.Ser603Asn)

Gene: SCN1A (sodium voltage-gated channel alpha subunit 1; minus strand). Cytogenetic location: 2q24.3.
Variant type: single nucleotide variant.
Coding change: c.1808G>A on transcript NM_001165963.4 (MANE Select); coding-DNA position 1808, G replaced by A.
Protein change: p.Ser603Asn; replaces serine 603 with asparagine.
Molecular consequence: missense variant. On other transcripts: 5 prime UTR variant (1), non-coding transcript variant (1).
Genome position (GRCh38, 1-based): chr2:166,043,904, C>T on the plus strand (G>A on the coding strand, the complement: SCN1A is on the minus strand). VCF-style: chr2-166043904-C-T. GRCh37 (hg19) VCF-style: chr2-166900414-C-T.
Other names: c.1808G>A, p.Ser603Asn (NM_001165964.3, NM_001202435.3, NM_001353948.2 and 7 more transcripts); c.1805G>A, p.Ser602Asn (NM_001353954.2, NM_001353955.2, NM_001353960.2); c.-618G>A (NM_001353961.2); short protein forms S602N, S603N.
Identifiers: ClinVar variation 1479855 (VCV001479855.9), dbSNP rs1697471204, ClinGen allele CA349067595.

ClinVar aggregate classification (germline): Uncertain significance (1 of 4 stars; one submission).

Conditions:
Early-infantile DEE. Also called: Early infantile epileptic encephalopathy; Early infantile epileptic encephalopathy with suppression bursts; Ohtahara syndrome. Identifiers: Orphanet 1934, MedGen C0393706, MONDO:0800491.

gnomAD v4.1: 14 of 1,614,154 alleles (0.00087%); highest among the groups gnomAD compares: Non-Finnish European, 0.0012%; no homozygotes.

Submission:

Labcorp Genetics (formerly Invitae), Labcorp
Classification: Uncertain significance for Early-infantile DEE. Last evaluated: 2025-04-11. Review status: criteria provided, single submitter. Criteria: Invitae Variant Classification Sherloc (09022015). Collection method: clinical testing. Allele origin: germline.
Comment: This sequence change replaces serine, which is neutral and polar, with asparagine, which is neutral and polar, at codon 603 of the SCN1A protein (p.Ser603Asn). This variant is not present in population databases (gnomAD no frequency). This variant has not been reported in the literature in individuals affected with SCN1A-related conditions. ClinVar contains an entry for this variant (Variation ID: 1479855). Invitae Evidence Modeling of protein sequence and biophysical properties (such as structural, functional, and spatial information, amino acid conservation, physicochemical variation, residue mobility, and thermodynamic stability) has been performed for this missense variant. However, the output from this modeling did not meet the statistical confidence thresholds required to predict the impact of this variant on SCN1A protein function. In summary, the available evidence is currently insufficient to determine the role of this variant in disease. Therefore, it has been classified as a Variant of Uncertain Significance.